The following is an entry in ClinVar:

ClinVar aggregate classification (germline): Likely benign (1 of 4 stars; one submission).

gnomAD v4.1: 8 of 1,613,178 alleles (0.0005%); highest among the groups gnomAD compares: Admixed American, 0.013%; no homozygotes.

Submission:

CeGaT Center for Human Genetics Tuebingen
Classification: Likely benign. Last evaluated: 2026-08-01. Review status: criteria provided, single submitter. Criteria: CeGaT Center For Human Genetics Tuebingen Variant Classification Criteria Version 2. Collection method: clinical testing. Allele origin: germline. Affected: yes. Observed: 1 variant allele.
Comment: ARV1: BP4, BP7

NM_022786.3(ARV1):c.69T>C (p.Pro23=)

Genes: ARV1 (ARV1 fatty acid homeostasis modulator; plus strand), LOC129932761 (ATAC-STARR-seq lymphoblastoid active region 2721; plus strand). Cytogenetic location: 1q42.2.
Variant type: single nucleotide variant.
Coding change: c.69T>C on transcript NM_022786.3 (MANE Select); coding-DNA position 69, T replaced by C.
Protein change: p.Pro23=; no amino-acid change (proline 23 retained).
Molecular consequence: synonymous variant. On other transcripts: non-coding transcript variant (1).
Genome position (GRCh38, 1-based): chr1:230,979,174, T>C. VCF-style: chr1-230979174-T-C. GRCh37 (hg19) VCF-style: chr1-231114920-T-C.
Other names: c.69T>C, p.Pro23= (NM_001346992.2).
Identifiers: ClinVar variation 5040412 (VCV005040412.1).